The following is an entry in ClinVar:

NM_001429.4(EP300):c.6515A>C (p.His2172Pro)

Gene: EP300 (EP300 lysine acetyltransferase; plus strand). Cytogenetic location: 22q13.2.
Variant type: single nucleotide variant.
Coding change: c.6515A>C on transcript NM_001429.4 (MANE Select); coding-DNA position 6515, A replaced by C.
Protein change: p.His2172Pro; replaces histidine 2172 with proline.
Molecular consequence: missense variant.
Genome position (GRCh38, 1-based): chr22:41,178,226, A>C. VCF-style: chr22-41178226-A-C. GRCh37 (hg19) VCF-style: chr22-41574230-A-C.
Other names: c.6437A>C, p.His2146Pro (NM_001362843.2); short protein forms H2146P, H2172P.
Identifiers: ClinVar variation 3845136 (VCV003845136.2).

ClinVar aggregate classification (germline): Uncertain significance. Review status: criteria provided, multiple submitters, no conflicts (2 of 4 stars). 2 submissions from 2 submitters: Uncertain significance (2). Last evaluated 2025-02-26.

Conditions:
Inborn genetic diseases. Identifiers: MedGen C0950123, MeSH D030342.
Rubinstein-Taybi syndrome due to EP300 haploinsufficiency. Also called: EP300-Related Rubinstein-Taybi Syndrome; RUBINSTEIN-TAYBI SYNDROME 2. Identifiers: Orphanet 353284, Orphanet 783, MedGen C3150941, MONDO:0013364, OMIM 613684.

Submissions (2):

Labcorp Genetics (formerly Invitae), Labcorp
Classification: Uncertain significance for Rubinstein-Taybi syndrome due to EP300 haploinsufficiency. Last evaluated: 2025-02-26. Review status: criteria provided, single submitter. Criteria: Invitae Variant Classification Sherloc (09022015). Collection method: clinical testing. Allele origin: germline.
Comment: This sequence change replaces histidine, which is basic and polar, with proline, which is neutral and non-polar, at codon 2172 of the EP300 protein (p.His2172Pro). This variant is not present in population databases (gnomAD no frequency). This variant has not been reported in the literature in individuals affected with EP300-related conditions. Invitae Evidence Modeling of protein sequence and biophysical properties (such as structural, functional, and spatial information, amino acid conservation, physicochemical variation, residue mobility, and thermodynamic stability) indicates that this missense variant is not expected to disrupt EP300 protein function with a negative predictive value of 80%. In summary, the available evidence is currently insufficient to determine the role of this variant in disease. Therefore, it has been classified as a Variant of Uncertain Significance.

Ambry Genetics
Classification: Uncertain significance for Inborn genetic diseases. Last evaluated: 2024-12-30. Review status: criteria provided, single submitter. Criteria: Ambry Variant Classification Scheme 2023. Collection method: clinical testing. Allele origin: germline.